The following is an entry in ClinVar:

NM_145207.3(AFG2A):c.447-3C>T

Gene: AFG2A (AAA ATPase AFG2A; plus strand). Cytogenetic location: 4q28.1.
Variant type: single nucleotide variant.
Coding change: c.447-3C>T on transcript NM_145207.3 (MANE Select); 3 bases into the intron before coding-DNA position 447, C replaced by T.
Molecular consequence: intron variant.
Genome position (GRCh38, 1-based): chr4:122,933,436, C>T. VCF-style: chr4-122933436-C-T. GRCh37 (hg19) VCF-style: chr4-123854591-C-T.
Other names: c.444-3C>T (NM_001345856.2, NM_001317799.2).
Identifiers: ClinVar variation 1468719 (VCV001468719.5), dbSNP rs2125735882, ClinGen allele CA2573138065.

ClinVar aggregate classification (germline): Uncertain significance (1 of 4 stars; one submission).

Conditions:
Microcephaly-intellectual disability-sensorineural hearing loss-epilepsy-abnormal muscle tone syndrome (NEDHSB). Also called: NEURODEVELOPMENTAL DISORDER WITH HEARING LOSS, SEIZURES, AND BRAIN ABNORMALITIES. Identifiers: Orphanet 457351, MedGen C4225276, MONDO:0014698, OMIM 616577.

Submission:

Labcorp Genetics (formerly Invitae), Labcorp
Classification: Uncertain significance for Microcephaly-intellectual disability-sensorineural hearing loss-epilepsy-abnormal muscle tone syndrome. Last evaluated: 2021-12-03. Review status: criteria provided, single submitter. Criteria: Invitae Variant Classification Sherloc (09022015). Collection method: clinical testing. Allele origin: germline.
Comment: This sequence change falls in intron 3 of the SPATA5 gene. It does not directly change the encoded amino acid sequence of the SPATA5 protein. It affects a nucleotide within the consensus splice site. This variant is not present in population databases (gnomAD no frequency). This variant has not been reported in the literature in individuals affected with SPATA5-related conditions. Variants that disrupt the consensus splice site are a relatively common cause of aberrant splicing (PMID: 17576681, 9536098). Algorithms developed to predict the effect of sequence changes on RNA splicing suggest that this variant is not likely to affect RNA splicing. In summary, the available evidence is currently insufficient to determine the role of this variant in disease. Therefore, it has been classified as a Variant of Uncertain Significance.

Literature cited by the submitters: PubMed 17576681; PubMed 9536098.